The following is an entry in ClinVar:

ClinVar aggregate classification (germline): Uncertain significance (1 of 4 stars; one submission).

Conditions:
Cardiovascular phenotype. Identifiers: MedGen CN230736.

Allele frequency attached by ClinVar (database versions not stated): gnomAD 0.00001.
gnomAD v4.1: 1 of 1,613,898 alleles (0.000062%); highest among the groups gnomAD compares: African/African-American, 0.0013%; no homozygotes.

Submission:

Ambry Genetics
Classification: Uncertain significance for Cardiovascular phenotype. Last evaluated: 2021-06-14. Review status: criteria provided, single submitter. Criteria: Ambry Variant Classification Scheme 2023. Collection method: clinical testing. Allele origin: germline.
Comment: The p.M3280I variant (also known as c.9840G>C), located in coding exon 26 of the APOB gene, results from a G to C substitution at nucleotide position 9840. The methionine at codon 3280 is replaced by isoleucine, an amino acid with highly similar properties. This amino acid position is conserved. In addition, this alteration is predicted to be tolerated by in silico analysis. Since supporting evidence is limited at this time, the clinical significance of this alteration remains unclear.

NM_000384.3(APOB):c.9840G>C (p.Met3280Ile)

Gene: APOB (apolipoprotein B; minus strand). Cytogenetic location: 2p24.1.
Variant type: single nucleotide variant.
Coding change: c.9840G>C on transcript NM_000384.3 (MANE Select); coding-DNA position 9840, G replaced by C.
Protein change: p.Met3280Ile; replaces methionine 3280 with isoleucine.
Molecular consequence: missense variant.
Genome position (GRCh38, 1-based): chr2:21,007,028, C>G on the plus strand (G>C on the coding strand, the complement: APOB is on the minus strand). VCF-style: chr2-21007028-C-G. GRCh37 (hg19) VCF-style: chr2-21229900-C-G.
Other names: short protein forms M3280I.
Identifiers: ClinVar variation 1768362 (VCV001768362.2), dbSNP rs1412206640, ClinGen allele CA345988551.